The following is an entry in ClinVar:

ClinVar aggregate classification (germline): Uncertain significance. Review status: criteria provided, multiple submitters, no conflicts (2 of 4 stars). 2 submissions from 2 submitters: Uncertain significance (2). Last evaluated 2026-01-20.

Conditions:
Joubert syndrome. Also called: Familial aplasia of the vermis; JOUBERT-BOLTSHAUSER SYNDROME. Identifiers: Orphanet 475, MedGen C5979921, MONDO:0018772.
Meckel-Gruber syndrome. Also called: DYSENCEPHALIA SPLANCHNOCYSTICA; GRUBER SYNDROME; Dysencephalia splachnocystica. Identifiers: Orphanet 564, MedGen C0265215, MONDO:0018921.

Allele frequency attached by ClinVar (database versions not stated): gnomAD 0.00001; ExAC 0.00002; gnomAD exomes 0.00002 and 0.00004; TOPMed 0.00003.
gnomAD v4.1: 12 of 1,613,974 alleles (0.00074%); highest among the groups gnomAD compares: Admixed American, 0.015%; no homozygotes.

Submissions (2):

GeneDx
Classification: Uncertain significance. Last evaluated: 2026-01-20. Review status: criteria provided, single submitter. Criteria: GeneDx Variant Classification Process June 2021. Collection method: clinical testing. Allele origin: germline.
Comment: Has been observed in next generation data filtered variants in a patient with CHARGE syndrome and causative variant in CHD7 (PMID: 31146700); In silico analysis suggests that this missense variant does not alter protein structure/function; This variant is associated with the following publications: (PMID: 31146700)

Labcorp Genetics (formerly Invitae), Labcorp
Classification: Uncertain significance for Joubert syndrome; Meckel-Gruber syndrome. Last evaluated: 2025-01-27. Review status: criteria provided, single submitter. Criteria: Invitae Variant Classification Sherloc (09022015). Collection method: clinical testing. Allele origin: germline.
Comment: This sequence change replaces isoleucine, which is neutral and non-polar, with threonine, which is neutral and polar, at codon 30 of the TCTN2 protein (p.Ile30Thr). This variant is present in population databases (rs760245764, gnomAD 0.02%). This variant has not been reported in the literature in individuals affected with TCTN2-related conditions. ClinVar contains an entry for this variant (Variation ID: 1434589). An algorithm developed to predict the effect of missense changes on protein structure and function (PolyPhen-2) suggests that this variant is likely to be tolerated. In summary, the available evidence is currently insufficient to determine the role of this variant in disease. Therefore, it has been classified as a Variant of Uncertain Significance.

NM_024809.5(TCTN2):c.89T>C (p.Ile30Thr)

Gene: TCTN2 (tectonic family member 2; plus strand). Cytogenetic location: 12q24.31.
Variant type: single nucleotide variant.
Coding change: c.89T>C on transcript NM_024809.5 (MANE Select); coding-DNA position 89, T replaced by C.
Protein change: p.Ile30Thr; replaces isoleucine 30 with threonine.
Molecular consequence: missense variant.
Genome position (GRCh38, 1-based): chr12:123,671,513, T>C. VCF-style: chr12-123671513-T-C. GRCh37 (hg19) VCF-style: chr12-124156060-T-C.
Other names: c.89T>C (NM_024809.4); c.89T>C, p.Ile30Thr (NM_001143850.3); short protein forms I30T.
Identifiers: ClinVar variation 1434589 (VCV001434589.8), dbSNP rs760245764, ClinGen allele CA6860781.